The following is an entry in ClinVar:

ClinVar aggregate classification (germline): Pathogenic/Likely pathogenic. Review status: criteria provided, multiple submitters, no conflicts (2 of 4 stars). 2 submissions from 2 submitters: Pathogenic (1); Likely pathogenic (1). Last evaluated 2025-06-12.

Conditions:
Cystinosis. Also called: Cystine diathesis; Cystine storage disease; Cystinoses. Identifiers: Orphanet 213, MedGen C4316899, MONDO:0016239.
Nephropathic cystinosis (CTNS). Also called: CYSTINOSIN, DEFECT OF; LYSOSOMAL CYSTINE TRANSPORT PROTEIN, DEFECT OF; Abderhalden Lignac Kaufmann disease; Abderhalden-Kaufmann-Lignac syndrome. Identifiers: Orphanet 213, Orphanet 411629, MedGen C2931187, MONDO:0100151, OMIM 219800.

Allele frequency attached by ClinVar (database versions not stated): gnomAD exomes below 0.00001.
gnomAD v4.1: 1 of 1,613,508 alleles (0.000062%); highest among the groups gnomAD compares: Non-Finnish European, 0.000085%; no homozygotes.

Submissions (2):

Myriad Genetics, Inc.
Classification: Pathogenic for Cystinosis. Last evaluated: 2025-06-12. Review status: criteria provided, single submitter. Criteria: Myriad Autosomal Dominant, Autosomal Recessive and X-Linked Classification Criteria (2023). Collection method: clinical testing. Allele origin: unknown.
Comment: NM_004937.2(CTNS):c.955C>T(Q319*) is a nonsense variant classified as pathogenic in the context of cystinosis. Q319* has not been observed in cases with relevant disease. Relevant functional assessments of this variant are not available in the literature. Q319* has not been observed in referenced population frequency databases. In summary, NM_004937.2(CTNS):c.955C>T(Q319*) is a nonsense variant in a gene where loss of function is a known mechanism of disease and is predicted to disrupt protein function. Please note: this variant was assessed in the context of healthy population screening.

Baylor Genetics
Classification: Likely pathogenic for Nephropathic cystinosis. Last evaluated: 2022-04-13. Review status: criteria provided, single submitter. Criteria: ACMG Guidelines, 2015. Collection method: clinical testing. Allele origin: unknown.

NM_004937.3(CTNS):c.955C>T (p.Gln319Ter)

Gene: CTNS (cystinosin, lysosomal cystine transporter; plus strand). Cytogenetic location: 17p13.2.
Variant type: single nucleotide variant.
Coding change: c.955C>T on transcript NM_004937.3 (MANE Select); coding-DNA position 955, C replaced by T.
Protein change: p.Gln319Ter; replaces glutamine 319 with a stop codon.
Molecular consequence: nonsense.
Genome position (GRCh38, 1-based): chr17:3,659,960, C>T. VCF-style: chr17-3659960-C-T. GRCh37 (hg19) VCF-style: chr17-3563254-C-T.
Other names: c.955C>T, p.Gln319Ter (NM_001031681.3, NM_001374492.1); c.514C>T, p.Gln172Ter (NM_001374493.1, NM_001374494.1, NM_001374495.1 and 1 more transcripts); short protein forms Q319*, Q172*.
Identifiers: ClinVar variation 2681026 (VCV002681026.2), dbSNP rs2142981652, ClinGen allele CA397693330.